The following is an entry in ClinVar:

NM_172107.4(KCNQ2):c.1133C>G (p.Thr378Ser)

Gene: KCNQ2 (potassium voltage-gated channel subfamily Q member 2; minus strand). Cytogenetic location: 20q13.33.
Variant type: single nucleotide variant.
Coding change: c.1133C>G on transcript NM_172107.4 (MANE Select); coding-DNA position 1133, C replaced by G.
Protein change: p.Thr378Ser; replaces threonine 378 with serine.
Molecular consequence: missense variant. On other transcripts: intron variant (1).
Genome position (GRCh38, 1-based): chr20:63,431,355, G>C on the plus strand (C>G on the coding strand, the complement: KCNQ2 is on the minus strand). VCF-style: chr20-63431355-G-C. GRCh37 (hg19) VCF-style: chr20-62062708-G-C.
Other names: c.1133C>G, p.Thr378Ser (NM_001382235.1, NM_172106.3, NM_172108.5); c.1118+2454C>G (NM_004518.6); short protein forms T378S.
Identifiers: ClinVar variation 1304076 (VCV001304076.34), dbSNP rs1260593444, ClinGen allele CA409650668.
Genomic context (GRCh38, chr20:63,431,355, plus strand): 5'-TAGAACCACACACACACACAGGGCTTCTGTCCATGCATTTCCTACCTGGAGGCCCCGTAG[G>C]TTTGAGTTTGCGAACTTTCAAGTGTTTCCACACACACAAAGGGAAAAGAACGGAAAATTT-3'
Protein context (NP_742105.1, residues 368-388): TVPMYSSQTQ[Thr378Ser]YGASRLIPPL

ClinVar aggregate classification (germline): Uncertain significance. Review status: criteria provided, multiple submitters, no conflicts (2 of 4 stars). 3 submissions from 3 submitters: Uncertain significance (3). Last evaluated 2024-12-15.

Conditions:
Early-infantile DEE. Also called: Ohtahara syndrome; Early infantile epileptic encephalopathy with suppression bursts; Early infantile epileptic encephalopathy. Identifiers: Orphanet 1934, MedGen C0393706, MONDO:0800491.

Allele frequency attached by ClinVar (database versions not stated): gnomAD exomes below 0.00001.
gnomAD v4.1: 4 of 1,613,820 alleles (0.00025%); highest among the groups gnomAD compares: East Asian, 0.0022%; no homozygotes.

Submissions (3):

Labcorp Genetics (formerly Invitae), Labcorp
Classification: Uncertain significance for Early-infantile DEE. Last evaluated: 2024-12-15. Review status: criteria provided, single submitter. Criteria: Invitae Variant Classification Sherloc (09022015). Collection method: clinical testing. Allele origin: germline.
Comment: This sequence change replaces threonine, which is neutral and polar, with serine, which is neutral and polar, at codon 378 of the KCNQ2 protein (p.Thr378Ser). This variant is present in population databases (no rsID available, gnomAD 0.006%). This variant has not been reported in the literature in individuals affected with KCNQ2-related conditions. ClinVar contains an entry for this variant (Variation ID: 1304076). Invitae Evidence Modeling of protein sequence and biophysical properties (such as structural, functional, and spatial information, amino acid conservation, physicochemical variation, residue mobility, and thermodynamic stability) indicates that this missense variant is not expected to disrupt KCNQ2 protein function with a negative predictive value of 95%. In summary, the available evidence is currently insufficient to determine the role of this variant in disease. Therefore, it has been classified as a Variant of Uncertain Significance.

CeGaT Center for Human Genetics Tuebingen
Classification: Uncertain significance. Last evaluated: 2022-06-01. Review status: criteria provided, single submitter. Criteria: CeGaT Center For Human Genetics Tuebingen Variant Classification Criteria Version 2. Collection method: clinical testing. Allele origin: germline. Affected: yes. Observed: 1 variant allele.
Comment: KCNQ2: PM2, PP2

GeneDx
Classification: Uncertain significance. Last evaluated: 2020-02-20. Review status: criteria provided, single submitter. Criteria: GeneDx Variant Classification Process June 2021. Collection method: clinical testing. Allele origin: germline. Affected: yes.
Comment: Missense variants in this gene are often considered pathogenic (Stenson et al., 2014); In silico analysis supports that this missense variant does not alter protein structure/function; This substitution is predicted to be within the C-terminal cytoplasmic domain; Has not been previously published as pathogenic or benign to our knowledge